The following is an entry in ClinVar:

ClinVar aggregate classification (germline): Uncertain significance (1 of 4 stars; one submission).

Conditions:
Generalized epilepsy with febrile seizures plus, type 2 (GEFSP2). Also called: GEFS+, TYPE 2. Identifiers: Orphanet 36387, MedGen C1858673, MONDO:0011461, OMIM 604403.

Submission:

3billion
Classification: Uncertain significance for Generalized epilepsy with febrile seizures plus, type 2. Last evaluated: 2025-02-19. Review status: criteria provided, single submitter. Criteria: ACMG Guidelines, 2015. Collection method: clinical testing. Allele origin: germline. Affected: yes.
Comment: The variant is not observed in the gnomAD v4.1.0 dataset. Predicted Consequence/Location: Missense variant In silico tool predictions suggest damaging effect of the variant on gene or gene product [REVEL: 0.98 (>=0.6, sensitivity 0.68 and specificity 0.92); 3Cnet: 0.99 (>=0.6, sensitivity 0.72 and precision 0.9)]. Different missense changes at the same codon (p.Ile1545Lys, p.Ile1545Thr, p.Ile1545Val) have been reported as pathogenic/likely pathogenic with strong evidence (ClinVar ID: VCV000068551, VCV001067239, VCV002847117 /PMID: 17347258). Therefore, this variant is classified as VUS according to the recommendation of ACMG/AMP guideline.

Literature cited by the submitters: PubMed 17347258.

NM_001165963.4(SCN1A):c.4634T>G (p.Ile1545Arg)

Genes: SCN1A (sodium voltage-gated channel alpha subunit 1; minus strand), LOC102724058 (uncharacterized LOC102724058; plus strand). Cytogenetic location: 2q24.3.
Variant type: single nucleotide variant.
Coding change: c.4634T>G on transcript NM_001165963.4 (MANE Select); coding-DNA position 4634, T replaced by G.
Protein change: p.Ile1545Arg; replaces isoleucine 1545 with arginine.
Molecular consequence: missense variant. On other transcripts: non-coding transcript variant (1).
Genome position (GRCh38, 1-based): chr2:165,994,364, A>C on the plus strand (T>G on the coding strand, the complement: SCN1A is on the minus strand). VCF-style: chr2-165994364-A-C. GRCh37 (hg19) VCF-style: chr2-166850874-A-C.
Other names: c.4550T>G, p.Ile1517Arg (NM_001165964.3, NM_001353957.2, NM_001353958.2); c.4634T>G, p.Ile1545Arg (NM_001202435.3, NM_001353948.2); c.4601T>G, p.Ile1534Arg (NM_001353949.2, NM_001353950.2, NM_001353951.2 and 2 more transcripts); c.4598T>G, p.Ile1533Arg (NM_001353954.2, NM_001353955.2); c.4547T>G, p.Ile1516Arg (NM_001353960.2); c.2192T>G, p.Ile731Arg (NM_001353961.2); short protein forms I1516R, I1517R, I1533R, I1534R, I1545R, I731R.
Identifiers: ClinVar variation 4292877 (VCV004292877.1).